The following is an entry in ClinVar:

ClinVar aggregate classification (germline): Likely benign (0 of 4 stars; one submission).

Conditions:
KIAA0586-related disorder. Also called: KIAA0586- Related disorders; KIAA0586-related condition.

Allele frequency attached by ClinVar (database versions not stated): gnomAD exomes below 0.00001.
gnomAD v4.1: 1 of 1,613,844 alleles (0.000062%); highest among the groups gnomAD compares: Middle Eastern, 0.016%; no homozygotes.

Submission:

PreventionGenetics, part of Exact Sciences
Classification: Likely benign for KIAA0586-related condition. Last evaluated: 2021-04-19. Review status: no assertion criteria provided. Collection method: clinical testing. Allele origin: germline.
Comment: This variant is classified as likely benign based on ACMG/AMP sequence variant interpretation guidelines (Richards et al. 2015 PMID: 25741868, with internal and published modifications).

NM_001329943.3(KIAA0586):c.2373A>G (p.Val791=)

Gene: KIAA0586 (KIAA0586; plus strand). Cytogenetic location: 14q23.1.
Variant type: single nucleotide variant.
Coding change: c.2373A>G on transcript NM_001329943.3 (MANE Select); coding-DNA position 2373, A replaced by G.
Protein change: p.Val791=; no amino-acid change (valine 791 retained).
Molecular consequence: synonymous variant.
Genome position (GRCh38, 1-based): chr14:58,467,853, A>G. VCF-style: chr14-58467853-A-G. GRCh37 (hg19) VCF-style: chr14-58934571-A-G.
Other names: c.2532A>G, p.Val844= (NM_001244189.2); c.2328A>G, p.Val776= (NM_001244190.2); c.2118A>G, p.Val706= (NM_001244191.2, NM_001329945.2, NM_001364700.1 and 1 more transcripts); c.2241A>G, p.Val747= (NM_001244192.2); c.1953A>G, p.Val651= (NM_001244193.2); c.2373A>G, p.Val791= (NM_001329944.2, NM_001329946.2, NM_001329947.2); c.2145A>G, p.Val715= (NM_014749.5).
Identifiers: ClinVar variation 3030814 (VCV003030814.2), dbSNP rs2543276695, ClinGen allele CA486542437.